The following is an entry in ClinVar:

NM_144631.6(ZNF513):c.886G>A (p.Gly296Arg)

Gene: ZNF513 (zinc finger protein 513; minus strand). Cytogenetic location: 2p23.3.
Variant type: single nucleotide variant.
Coding change: c.886G>A on transcript NM_144631.6 (MANE Select); coding-DNA position 886, G replaced by A.
Protein change: p.Gly296Arg; replaces glycine 296 with arginine.
Molecular consequence: missense variant.
Genome position (GRCh38, 1-based): chr2:27,378,285, C>T on the plus strand (G>A on the coding strand, the complement: ZNF513 is on the minus strand). VCF-style: chr2-27378285-C-T. GRCh37 (hg19) VCF-style: chr2-27601152-C-T.
Other names: c.700G>A, p.Gly234Arg (NM_001201459.2); short protein forms G296R, G234R.
Identifiers: ClinVar variation 943708 (VCV000943708.11), dbSNP rs35652129, ClinGen allele CA1577910.
Genomic context (GRCh38, chr2:27,378,285, plus strand): 5'-AGGTCCAAGGGAATAGCAGCTCTGGCAGTGGTTCTGATCCAGTCCCGCAGAGGCCCTCCC[C>T]TTCACCCCGCAGCTGCCCACAGTCTGGCAGGAAACTGGCACCACCTGGTGGCACATGGAG-3'
Protein context (NP_653232.3, residues 286-306): LPDCGQLRGE[Gly296Arg]EGLCGTGSEP

ClinVar aggregate classification (germline): Uncertain significance. Review status: criteria provided, multiple submitters, no conflicts (2 of 4 stars). 2 submissions from 2 submitters: Uncertain significance (2). Last evaluated 2026-02-01.

Allele frequency attached by ClinVar (database versions not stated): ExAC 0.00003; gnomAD 0.00005; gnomAD exomes 0.00005 and 0.00013; TOPMed 0.00005; ESP Exome Variant Server 0.00008; 1000 Genomes Project 30x 0.00016; 1000 Genomes Project 0.00020.
gnomAD v4.1: 194 of 1,600,962 alleles (0.012%); highest among the groups gnomAD compares: Non-Finnish European, 0.016%; no homozygotes.

Submissions (2):

Labcorp Genetics (formerly Invitae), Labcorp
Classification: Uncertain significance. Last evaluated: 2026-02-01. Review status: criteria provided, single submitter. Criteria: Invitae Variant Classification Sherloc (09022015). Collection method: clinical testing. Allele origin: germline.
Comment: This sequence change replaces glycine, which is neutral and non-polar, with arginine, which is basic and polar, at codon 296 of the ZNF513 protein (p.Gly296Arg). This variant is present in population databases (rs35652129, gnomAD 0.01%). This variant has not been reported in the literature in individuals affected with ZNF513-related conditions. ClinVar contains an entry for this variant (Variation ID: 943708). An algorithm developed to predict the effect of missense changes on protein structure and function (PolyPhen-2) suggests that this variant is likely to be disruptive. In summary, the available evidence is currently insufficient to determine the role of this variant in disease. Therefore, it has been classified as a Variant of Uncertain Significance.

Blueprint Genetics
Classification: Uncertain significance. Last evaluated: 2023-11-01. Review status: criteria provided, single submitter. Criteria: ACMG Guidelines, 2015. Collection method: clinical testing. Allele origin: germline.